The following is an entry in ClinVar:

NM_000203.5(IDUA):c.741C>A (p.Phe247Leu)

Gene: IDUA (alpha-L-iduronidase; plus strand). Cytogenetic location: 4p16.3.
Variant type: single nucleotide variant.
Coding change: c.741C>A on transcript NM_000203.5 (MANE Select); coding-DNA position 741, C replaced by A.
Protein change: p.Phe247Leu; replaces phenylalanine 247 with leucine.
Molecular consequence: missense variant. On other transcripts: non-coding transcript variant (1).
Genome position (GRCh38, 1-based): chr4:1,001,830, C>A. VCF-style: chr4-1001830-C-A. GRCh37 (hg19) VCF-style: chr4-995618-C-A.
Other names: c.345C>A, p.Phe115Leu (NM_001363576.1); short protein forms F115L, F247L.
Identifiers: ClinVar variation 2194985 (VCV002194985.1), dbSNP rs368241547, ClinGen allele CA2802071.

ClinVar aggregate classification (germline): Uncertain significance (1 of 4 stars; one submission).

Conditions:
Mucopolysaccharidosis type 1. Also called: IDUA deficiency; MPS I. Identifiers: Orphanet 579, MedGen C0023786, MONDO:0001586.

Allele frequency attached by ClinVar (database versions not stated): gnomAD exomes 0.00001; TOPMed 0.00002; ExAC 0.00003; gnomAD 0.00003; ESP Exome Variant Server 0.00008.

Submission:

Labcorp Genetics (formerly Invitae), Labcorp
Classification: Uncertain significance for Mucopolysaccharidosis type 1. Last evaluated: 2022-08-22. Review status: criteria provided, single submitter. Criteria: Invitae Variant Classification Sherloc (09022015). Collection method: clinical testing. Allele origin: germline.
Comment: This sequence change replaces phenylalanine, which is neutral and non-polar, with leucine, which is neutral and non-polar, at codon 247 of the IDUA protein (p.Phe247Leu). The frequency data for this variant in the population databases is considered unreliable, as metrics indicate poor data quality at this position in the gnomAD database. This variant has not been reported in the literature in individuals affected with IDUA-related conditions. Advanced modeling of protein sequence and biophysical properties (such as structural, functional, and spatial information, amino acid conservation, physicochemical variation, residue mobility, and thermodynamic stability) performed at Invitae indicates that this missense variant is expected to disrupt IDUA protein function. In summary, the available evidence is currently insufficient to determine the role of this variant in disease. Therefore, it has been classified as a Variant of Uncertain Significance.